The following is an entry in ClinVar:

NM_004525.3(LRP2):c.583T>C (p.Cys195Arg)

Gene: LRP2 (LDL receptor related protein 2; minus strand). Cytogenetic location: 2q31.1.
Variant type: single nucleotide variant.
Coding change: c.583T>C on transcript NM_004525.3 (MANE Select); coding-DNA position 583, T replaced by C.
Protein change: p.Cys195Arg; replaces cysteine 195 with arginine.
Molecular consequence: missense variant.
Genome position (GRCh38, 1-based): chr2:169,294,217, A>G on the plus strand (T>C on the coding strand, the complement: LRP2 is on the minus strand). VCF-style: chr2-169294217-A-G. GRCh37 (hg19) VCF-style: chr2-170150727-A-G.
Other names: short protein forms C195R.
Identifiers: ClinVar variation 1716239 (VCV001716239.5), dbSNP rs2528568576, ClinGen allele CA349162871.

ClinVar aggregate classification (germline): Uncertain significance (1 of 4 stars; one submission).

Allele frequency attached by ClinVar (database versions not stated): gnomAD exomes below 0.00001.
gnomAD v4.1: 1 of 1,613,786 alleles (0.000062%); highest among the groups gnomAD compares: Non-Finnish European, 0.000085%; no homozygotes.

Submission:

Labcorp Genetics (formerly Invitae), Labcorp
Classification: Uncertain significance. Last evaluated: 2023-12-06. Review status: criteria provided, single submitter. Criteria: Invitae Variant Classification Sherloc (09022015). Collection method: clinical testing. Allele origin: germline.
Comment: This sequence change replaces cysteine, which is neutral and slightly polar, with arginine, which is basic and polar, at codon 195 of the LRP2 protein (p.Cys195Arg). This variant is not present in population databases (gnomAD no frequency). This variant has not been reported in the literature in individuals affected with LRP2-related conditions. ClinVar contains an entry for this variant (Variation ID: 1716239). Advanced modeling of protein sequence and biophysical properties (such as structural, functional, and spatial information, amino acid conservation, physicochemical variation, residue mobility, and thermodynamic stability) performed at Invitae indicates that this missense variant is expected to disrupt LRP2 protein function with a positive predictive value of 95%. In summary, the available evidence is currently insufficient to determine the role of this variant in disease. Therefore, it has been classified as a Variant of Uncertain Significance.